The following is an entry in ClinVar:

ClinVar aggregate classification (germline): Uncertain significance (1 of 4 stars; one submission).

Conditions:
BAP1-related tumor predisposition syndrome (TPDS1). Also called: TUMOR PREDISPOSITION SYNDROME 1; COMMON Syndrome; Tumor susceptibility linked to germline BAP1 mutations; BAP1 tumor predisposition syndrome. Identifiers: Orphanet 289539, MedGen C3280492, MONDO:0013692, OMIM 614327.

Submission:

Labcorp Genetics (formerly Invitae), Labcorp
Classification: Uncertain significance for BAP1-related tumor predisposition syndrome. Last evaluated: 2024-07-01. Review status: criteria provided, single submitter. Criteria: Invitae Variant Classification Sherloc (09022015). Collection method: clinical testing. Allele origin: germline.
Comment: This sequence change replaces proline, which is neutral and non-polar, with leucine, which is neutral and non-polar, at codon 175 of the BAP1 protein (p.Pro175Leu). Information on the frequency of this variant in the gnomAD database is not available, as this variant may be reported differently in the database. This variant has not been reported in the literature in individuals affected with BAP1-related conditions. An algorithm developed to predict the effect of missense changes on protein structure and function (PolyPhen-2) suggests that this variant is likely to be disruptive. In summary, the available evidence is currently insufficient to determine the role of this variant in disease. Therefore, it has been classified as a Variant of Uncertain Significance.

NM_004656.4(BAP1):c.524_525delinsTG (p.Pro175Leu)

Gene: BAP1 (BRCA1 associated deubiquitinase 1; minus strand). Cytogenetic location: 3p21.1.
Variant type: Indel.
Coding change: c.524_525delinsTG on transcript NM_004656.4 (MANE Select); coding-DNA positions 524 to 525, CT replaced by TG.
Protein change: p.Pro175Leu; replaces proline 175 with leucine.
Molecular consequence: missense variant.
Genome position (GRCh38, 1-based): chr3:52,407,229-52,407,230, AG replaced by CA on the plus strand (CT replaced by TG on the coding strand, the reverse complement: BAP1 is on the minus strand). VCF-style: chr3-52407229-AG-CA. GRCh37 (hg19) VCF-style: chr3-52441245-AG-CA.
Other names: c.524_525delinsTG, p.Pro175Leu (NM_001410772.1); short protein forms P175L.
Identifiers: ClinVar variation 2847350 (VCV002847350.3), dbSNP rs2471349999, ClinGen allele CA2739278595.